The following is an entry in ClinVar:

ClinVar aggregate classification (germline): Uncertain significance (1 of 4 stars; one submission).

Conditions:
PLXNA2-related disorder. Also called: PLXNA2-related condition.

Submission:

PreventionGenetics, part of Exact Sciences
Classification: Uncertain significance for PLXNA2-related condition. Last evaluated: 2026-06-23. Review status: criteria provided, single submitter. Criteria: ACMG Guidelines, 2015. Collection method: clinical testing. Allele origin: germline.
Comment: The PLXNA2 c.398A>C variant is predicted to result in the amino acid substitution p.Tyr133Ser. To our knowledge, this variant has not been reported in the literature or in a large population database (gnomAD), indicating this variant is rare. At this time, the clinical significance of this variant is uncertain due to the absence of conclusive functional and genetic evidence.

NM_025179.4(PLXNA2):c.398A>C (p.Tyr133Ser)

Gene: PLXNA2 (plexin A2; minus strand). Cytogenetic location: 1q32.2.
Variant type: single nucleotide variant.
Coding change: c.398A>C on transcript NM_025179.4 (MANE Select); coding-DNA position 398, A replaced by C.
Protein change: p.Tyr133Ser; replaces tyrosine 133 with serine.
Molecular consequence: missense variant.
Genome position (GRCh38, 1-based): chr1:208,217,525, T>G on the plus strand (A>C on the coding strand, the complement: PLXNA2 is on the minus strand). VCF-style: chr1-208217525-T-G. GRCh37 (hg19) VCF-style: chr1-208390870-T-G.
Other names: short protein forms Y133S.
Identifiers: ClinVar variation 4992295 (VCV004992295.1).